The following is an entry in ClinVar:

NM_000326.5(RLBP1):c.49G>A (p.Glu17Lys)

Gene: RLBP1 (retinaldehyde binding protein 1; minus strand). Cytogenetic location: 15q26.1.
Variant type: single nucleotide variant.
Coding change: c.49G>A on transcript NM_000326.5 (MANE Select); coding-DNA position 49, G replaced by A.
Protein change: p.Glu17Lys; replaces glutamic acid 17 with lysine.
Molecular consequence: missense variant.
Genome position (GRCh38, 1-based): chr15:89,218,657, C>T on the plus strand (G>A on the coding strand, the complement: RLBP1 is on the minus strand). VCF-style: chr15-89218657-C-T. GRCh37 (hg19) VCF-style: chr15-89761888-C-T.
Other names: short protein forms E17K.
Identifiers: ClinVar variation 593839 (VCV000593839.10), dbSNP rs867569502, ClinGen allele CA274536589.
Genomic context (GRCh38, chr15:89,218,657, plus strand): 5'-ACGGGCCAAAGACAGGTCCATGGTCCTTGGTTGTGAGCTGCTCCAGTTGGGCACGGAGCT[C>T]CTGTTCCTCTTCAGGTACCATGCGGAACGTGCCCACCTGGGCAGAGAAAGGAAAAAGAGG-3'
Protein context (NP_000317.1, residues 7-27): TFRMVPEEEQ[Glu17Lys]LRAQLEQLTT

ClinVar aggregate classification (germline): Uncertain significance. Review status: criteria provided, multiple submitters, no conflicts (2 of 4 stars). 2 submissions from 2 submitters: Uncertain significance (2). Last evaluated 2024-12-02.

Allele frequency attached by ClinVar (database versions not stated): gnomAD exomes below 0.00001 and 0.00001; gnomAD 0.00005; TOPMed 0.00017.
gnomAD v4.1: 15 of 1,614,106 alleles (0.00093%); highest among the groups gnomAD compares: Admixed American, 0.01%; no homozygotes.

Submissions (2):

Labcorp Genetics (formerly Invitae), Labcorp
Classification: Uncertain significance. Last evaluated: 2024-12-02. Review status: criteria provided, single submitter. Criteria: Invitae Variant Classification Sherloc (09022015). Collection method: clinical testing. Allele origin: germline.
Comment: This sequence change replaces glutamic acid, which is acidic and polar, with lysine, which is basic and polar, at codon 17 of the RLBP1 protein (p.Glu17Lys). This variant is present in population databases (no rsID available, gnomAD 0.007%). This variant has not been reported in the literature in individuals affected with RLBP1-related conditions. ClinVar contains an entry for this variant (Variation ID: 593839). Invitae Evidence Modeling of protein sequence and biophysical properties (such as structural, functional, and spatial information, amino acid conservation, physicochemical variation, residue mobility, and thermodynamic stability) indicates that this missense variant is not expected to disrupt RLBP1 protein function with a negative predictive value of 95%. In summary, the available evidence is currently insufficient to determine the role of this variant in disease. Therefore, it has been classified as a Variant of Uncertain Significance.

Eurofins Ntd Llc (ga)
Classification: Uncertain significance. Last evaluated: 2017-09-12. Review status: criteria provided, single submitter. Criteria: EGL Classification Definitions 2015. Collection method: clinical testing. Allele origin: germline. Observed: 1 variant allele, 1 heterozygote.